The following is an entry in ClinVar:

NM_000020.3(ACVRL1):c.746T>C (p.Val249Ala)

Gene: ACVRL1 (activin A receptor like type 1; plus strand). Cytogenetic location: 12q13.13.
Variant type: single nucleotide variant.
Coding change: c.746T>C on transcript NM_000020.3 (MANE Select); coding-DNA position 746, T replaced by C.
Protein change: p.Val249Ala; replaces valine 249 with alanine.
Molecular consequence: missense variant.
Genome position (GRCh38, 1-based): chr12:51,914,559, T>C. VCF-style: chr12-51914559-T-C. GRCh37 (hg19) VCF-style: chr12-52308343-T-C.
Other names: c.434T>C, p.Val145Ala (NM_001406490.1, NM_001406491.1, NM_001406492.1 and 2 more transcripts); c.182T>C, p.Val61Ala (NM_001406495.1); c.746T>C, p.Val249Ala (NM_001077401.2, NM_001406487.1, NM_001406488.1 and 1 more transcripts); short protein forms V145A, V249A, V61A.
Identifiers: ClinVar variation 3574946 (VCV003574946.2).

ClinVar aggregate classification (germline): Uncertain significance. Review status: criteria provided, multiple submitters, no conflicts (2 of 4 stars). 2 submissions from 2 submitters: Uncertain significance (2). Last evaluated 2026-04-08.

Conditions:
Telangiectasia, hereditary hemorrhagic, type 2 (HHT2). Also called: ACVRL1-Related Hereditary Hemorrhagic Telangiectasia; Telangiectasia, hereditary hemorrhagic, type II. Identifiers: Orphanet 774, MedGen C1838163, MONDO:0010880, OMIM 600376. Disease mechanism: loss of function.

gnomAD v4.1: 1 of 1,613,390 alleles (0.000062%); highest among the groups gnomAD compares: Non-Finnish European, 0.000085%; no homozygotes.

Submissions (2):

GeneDx
Classification: Uncertain significance. Last evaluated: 2026-04-08. Review status: criteria provided, single submitter. Criteria: GeneDx Variant Classification Process June 2021. Collection method: clinical testing. Allele origin: germline.
Comment: Not observed at significant frequency in large population cohorts (gnomAD); In silico analysis supports that this missense variant has a deleterious effect on protein structure/function; Has not been previously published as pathogenic or benign to our knowledge

Fulgent Genetics
Classification: Uncertain significance for Telangiectasia, hereditary hemorrhagic, type 2. Last evaluated: 2024-05-21. Review status: criteria provided, single submitter. Criteria: ACMG Guidelines, 2015. Collection method: clinical testing. Allele origin: germline.